The following is an entry in ClinVar:

NM_025114.4(CEP290):c.5254C>T (p.Arg1752Trp)

Gene: CEP290 (centrosomal protein 290; minus strand). Cytogenetic location: 12q21.32.
Variant type: single nucleotide variant.
Coding change: c.5254C>T on transcript NM_025114.4 (MANE Select); coding-DNA position 5254, C replaced by T.
Protein change: p.Arg1752Trp; replaces arginine 1752 with tryptophan.
Molecular consequence: missense variant.
Genome position (GRCh38, 1-based): chr12:88,079,202, G>A on the plus strand (C>T on the coding strand, the complement: CEP290 is on the minus strand). VCF-style: chr12-88079202-G-A. GRCh37 (hg19) VCF-style: chr12-88472979-G-A.
Other names: NM_025114.4(CEP290):c.5254C>T; p.Arg1752Trp; short protein forms R1752W.
Identifiers: ClinVar variation 866339 (VCV000866339.20), dbSNP rs748471942, ClinGen allele CA6711749.
Genomic context (GRCh38, chr12:88,079,202, plus strand): 5'-CCTCTTTTTGAGAAGTTGCAGAAATAATACGTTCTTCAGCAGCTGCTGTCATTTCTGCCC[G>A]GAGTTCTAAAAGTGCCCGACTAAGTGCCTAAAAATTAACCAAAAAAAAAATGTAATTTTT-3'
Protein context (NP_079390.3, residues 1742-1762): KALSRALLEL[Arg1752Trp]AEMTAAAEER

ClinVar aggregate classification (germline): Likely pathogenic. Review status: reviewed by expert panel (3 of 4 stars). 9 submissions from 9 submitters: Likely pathogenic (1). 8 of the submissions do not count toward it. Last evaluated 2026-07-20.

Conditions:
CEP290-related ciliopathy. Also called: CEP290 ciliopathy. Identifiers: MedGen CN305601, MONDO:0100451.
Leber congenital amaurosis (LCA). Also called: Leber's amaurosis. Identifiers: Orphanet 65, MedGen C0339527, MeSH D057130, MONDO:0018998.
Bardet-Biedl syndrome 14 (BBS14). Identifiers: Orphanet 110, MedGen C2673874, MONDO:0014442, OMIM 615991.
Retinal disorder. Also called: Retinal disorders; Retinopathy; Retinopathies; Retinal Diseases. Identifiers: MedGen C0035309, MONDO:0005283, HP:0000488.
CEP290-related disorder. Also called: CEP290-related disorders; CEP290-related condition. Identifiers: MedGen CN239314.
Joubert syndrome. Also called: JOUBERT-BOLTSHAUSER SYNDROME; Familial aplasia of the vermis. Identifiers: Orphanet 475, MedGen C5979921, MONDO:0018772.
Nephronophthisis. Also called: Juvenile Nephronophthisis. Identifiers: Orphanet 655, MedGen C0687120, MONDO:0019005, HP:0000090.
Meckel-Gruber syndrome. Also called: Dysencephalia splachnocystica; DYSENCEPHALIA SPLANCHNOCYSTICA; GRUBER SYNDROME. Identifiers: Orphanet 564, MedGen C0265215, MONDO:0018921.

Allele frequency attached by ClinVar (database versions not stated): TOPMed 0.00002.
gnomAD v4.1: 22 of 1,594,232 alleles (0.0014%); highest among the groups gnomAD compares: Middle Eastern, 0.017%; no homozygotes.

Submissions (9):

ClinGen Leber Congenital Amaurosis/early Onset Retinal Dystrophy Variant Curation Expert Panel, ClinGen
Classification: Likely pathogenic for CEP290-related ciliopathy. Last evaluated: 2026-07-20. Review status: reviewed by expert panel. Criteria: ClinGen LCAeoRD ACMG Specifications CEP290 V1.0.0. Collection method: curation. Allele origin: germline. Inheritance: Autosomal recessive inheritance.
Comment: NM_025114.4(CEP290):c.5254C>T (p.Arg1752Trp) is a missense variant that replaces arginine with tryptophan at amino acid 1752. This variant is present in gnomAD v4.1.1 at a total allele frequency of 0.00001380, with 22 alleles / 1,594,232 total alleles, which is lower than the ClinGen LCA/eoRD VCEP PM2_Supporting threshold of <0.0006 (PM2_Supporting). This variant has been reported in at least 1 proband with early-onset severe retinal dystrophy who was homozygous for the variant (0.5 points, PMID: 27032803). This variant has also been reported in at least 2 probands with early-onset severe retinal dystrophy who were compound heterozygous with either the NM_025114.4(CEP290):c.4028del (p.Lys1343fs) variant confirmed in trans (1 point, PMID: 33886416) or the NM_025114.4(CEP290):c.4438-2A>G variant suspected in trans (0.5 pts, PMID: 36990420), which were previously classified Pathogenic by the ClinGen LCA/eoRD VCEP (2 total points, PM3_Strong). This variant has also been reported in 2 other probands with early-onset severe retinal dystrophy who were compound heterozygous with either the NM_025114.4(CEP290):c.734_735del (p.Glu245fs) variant suspected in trans (PMID: 37217489) or the NM_025114.4(CEP290):c.2578G>T (p.Glu860Ter) variant suspected in trans (PMID: 24265693), which have not yet been classified by the ClinGen LCA/eoRD VCEP. At least one proband harboring this variant exhibits a phenotype including diagnosis of autosomal recessive retinitis pigmentosa (0.5 pts) with phenotypes including nystagmus (0.5 pts) with congenital onset (0.5 pts), decreased visual acuity (0.5 pts), reduced visual field (0.5 pts), night blindness (0.5 pts), photophobia (0.5 pts), and incipient cataracts, with genotyping by a custom NGS panel comprising 64 IRD-associated genes relevant to the patient population (2 pts), which together are specific for CEP290-related ciliopathy (total 5.5 points, PMID: 27032803, PP4). The computational predictor CADD gives a PHRED score of 26.0, which is above the ClinGen LCA/eoRD VCEP threshold of ≥25.3 and predicts a damaging effect on CEP290 protein function (PP3). The splicing impact predictor SpliceAI gives a score of 0.00, which is below the ClinGen LCA/eoRD VCEP recommended threshold of ≥0.2 and does not strongly predict an impact on splicing. In summary, this variant meets the criteria to be classified as Likely Pathogenic for CEP290-related ciliopathy based on the ACMG/AMP criteria applied, as specified by the ClinGen LCA/eoRD VCEP: PM2_Supporting, PM3_Strong, PP4, and PP3. (LCA/eoRD VCEP Specifications for CEP290 Version 1.0.0)

PreventionGenetics, part of Exact Sciences
Classification: Likely pathogenic for CEP290-related condition. Last evaluated: 2026-05-11. Review status: criteria provided, single submitter. Criteria: ACMG Guidelines, 2015. Collection method: clinical testing. Allele origin: germline. Not counted in ClinVar's aggregate classification.
Comment: The CEP290 c.5254C>T variant is predicted to result in the amino acid substitution p.Arg1752Trp. This variant has been reported in the homozygous and compound heterozygous states in patients presenting with Leber congenital amaurosis (LCA) (see for example: Bravo-Gil et al. 2016. PubMed ID: 27032803, RP193; Weisschuh et al. 2016. PubMed ID: 26766544, Patient RCD500). In at least one report, the compound heterozygous patient was also positive for an additional variant in FSCN2 (Eisenberger et al. 2013. PubMed ID: 24265693, Patient # 80). This variant is reported in 0.0028% of alleles in individuals of European (Non-Finnish) descent in gnomAD. This variant is interpreted as likely pathogenic.

Natera, Inc.
Classification: Pathogenic for Leber congenital amaurosis. Last evaluated: 2025-08-28. Review status: criteria provided, single submitter. Criteria: Natera Variant Classification Schema (03/2026). Collection method: clinical testing. Allele origin: germline. Not counted in ClinVar's aggregate classification.
Comment: The c.5254C>T variant in CEP290 is a missense variant predicted to cause substitution of arginine to tryptophan at amino acid 1752. This variant is rare in the general population with a frequency below the threshold expected for the associated phenotype(s). This variant has been observed in one or more individuals affected with the associated recessive disease, as either homozygous or compound heterozygous with a second variant (PMID: 38927562, 38219857, 37217489, 33886416, 26766544, 27032803). Computational prediction algorithms indicate this variant is likely to affect gene or protein function. Given the available evidence, this variant is classified as Pathogenic.

Labcorp Genetics (formerly Invitae), Labcorp
Classification: Pathogenic for Joubert syndrome; Meckel-Gruber syndrome; Nephronophthisis. Last evaluated: 2025-06-02. Review status: criteria provided, single submitter. Criteria: Invitae Variant Classification Sherloc (09022015). Collection method: clinical testing. Allele origin: germline. Not counted in ClinVar's aggregate classification.
Comment: This sequence change replaces arginine, which is basic and polar, with tryptophan, which is neutral and slightly polar, at codon 1752 of the CEP290 protein (p.Arg1752Trp). This variant is present in population databases (rs748471942, gnomAD 0.004%). This missense change has been observed in individual(s) with clinical features of inherited retinal dystrophy (PMID: 27032803; internal data). In at least one individual the data is consistent with being in trans (on the opposite chromosome) from a pathogenic variant. ClinVar contains an entry for this variant (Variation ID: 866339). Invitae Evidence Modeling of protein sequence and biophysical properties (such as structural, functional, and spatial information, amino acid conservation, physicochemical variation, residue mobility, and thermodynamic stability) indicates that this missense variant is expected to disrupt CEP290 protein function with a positive predictive value of 80%. For these reasons, this variant has been classified as Pathogenic.

Women's Health and Genetics/Laboratory Corporation of America, LabCorp
Classification: Pathogenic for CEP290-related disorder. Last evaluated: 2025-03-04. Review status: criteria provided, single submitter. Criteria: LabCorp Variant Classification Summary - May 2015. Collection method: clinical testing. Allele origin: germline. Not counted in ClinVar's aggregate classification.
Comment: Variant summary: CEP290 c.5254C>T (p.Arg1752Trp) results in a non-conservative amino acid change in the encoded protein sequence. Four of five in-silico tools predict a damaging effect of the variant on protein function. The variant allele was found at a frequency of 1.7e-05 in 230420 control chromosomes. c.5254C>T has been reported in the literature in multiple individuals affected with CEP290-Related Disorders (Bravo-Gil_2016, Eisenberger_2013, Schlottmann_2023, Vilpana_2021, Wang_2023). These data indicate that the variant is very likely to be associated with disease. To our knowledge, no experimental evidence demonstrating an impact on protein function has been reported. The following publications have been ascertained in the context of this evaluation (PMID: 27032803, 24265693, 37217489, 33886416, 36990420). ClinVar contains an entry for this variant (Variation ID: 866339). Based on the evidence outlined above, the variant was classified as pathogenic.

Blueprint Genetics
Classification: Pathogenic for CEP290-related disorders. Last evaluated: 2024-03-05. Review status: criteria provided, single submitter. Criteria: ACMG Guidelines, 2015. Collection method: clinical testing. Allele origin: germline. Affected: yes. Observed: 5 variant alleles. Not counted in ClinVar's aggregate classification.

Baylor Genetics
Classification: Likely pathogenic for Bardet-Biedl syndrome 14. Last evaluated: 2024-01-30. Review status: criteria provided, single submitter. Criteria: ACMG Guidelines, 2015. Collection method: clinical testing. Allele origin: unknown. Not counted in ClinVar's aggregate classification.

GeneDx
Classification: Likely pathogenic. Last evaluated: 2023-11-20. Review status: criteria provided, single submitter. Criteria: GeneDx Variant Classification Process June 2021. Collection method: clinical testing. Allele origin: germline. Affected: yes. Not counted in ClinVar's aggregate classification.
Comment: In silico analysis, which includes protein predictors and evolutionary conservation, supports a deleterious effect; Not observed at significant frequency in large population cohorts (gnomAD); This variant is associated with the following publications: (PMID: 27032803, 24265693, 31964843, 33886416)

AURAGEN, Plan France Médecine Génomique
Classification: Likely pathogenic for Retinal disorder. Last evaluated: 2022-04-01. Review status: criteria provided, single submitter. Criteria: PFMG2025 (Lancet Reg Health Eur. 2025). Collection method: clinical testing. Allele origin: germline. Affected: yes. Not counted in ClinVar's aggregate classification.

Literature cited by the submitters: PubMed 38927562 (cited by Natera, Inc.); PubMed 38219857 (cited by Natera, Inc.); PubMed 37217489 (cited by Natera, Inc. and Women's Health and Genetics/Laboratory Corporation of America, LabCorp); PubMed 33886416 (cited by Natera, Inc. and Women's Health and Genetics/Laboratory Corporation of America, LabCorp); PubMed 26766544 (cited by Natera, Inc.); PubMed 27032803 (cited by 3 submitters); PubMed 24265693 (cited by Women's Health and Genetics/Laboratory Corporation of America, LabCorp); PubMed 36990420 (cited by Women's Health and Genetics/Laboratory Corporation of America, LabCorp).